The following is an entry in ClinVar:

ClinVar aggregate classification (germline): Uncertain significance (1 of 4 stars; one submission).

Conditions:
RPGR-related disorder. Also called: RPGR-related condition.

Submission:

PreventionGenetics, part of Exact Sciences
Classification: Uncertain significance for RPGR-related condition. Last evaluated: 2026-09-25. Review status: criteria provided, single submitter. Criteria: ACMG Guidelines, 2015. Collection method: clinical testing. Allele origin: germline.
Comment: The RPGR c.551A>G variant is predicted to result in the amino acid substitution p.Gln184Arg. To our knowledge, this variant has not been reported in the literature or in a large population database (gnomAD), indicating this variant is rare. At this time, the clinical significance of this variant is uncertain due to the absence of conclusive functional and genetic evidence.

NM_001034853.2(RPGR):c.551A>G (p.Gln184Arg)

Gene: RPGR (retinitis pigmentosa GTPase regulator; minus strand). Cytogenetic location: Xp11.4.
Variant type: single nucleotide variant.
Coding change: c.551A>G on transcript NM_001034853.2 (MANE Select); coding-DNA position 551, A replaced by G.
Protein change: p.Gln184Arg; replaces glutamine 184 with arginine.
Molecular consequence: missense variant. On other transcripts: non-coding transcript variant (5).
Genome position (GRCh38, 1-based): chrX:38,317,384, T>C on the plus strand (A>G on the coding strand, the complement: RPGR is on the minus strand). VCF-style: chrX-38317384-T-C. GRCh37 (hg19) VCF-style: chrX-38176637-T-C.
Other names: c.551A>G, p.Gln184Arg (NM_000328.3, NM_001367245.1, NM_001367246.1 and 3 more transcripts); c.581A>G, p.Gln194Arg (NM_001367248.1); c.548A>G, p.Gln183Arg (NM_001367249.1); short protein forms Q183R, Q184R, Q194R.
Identifiers: ClinVar variation 4995698 (VCV004995698.1).
Genomic context (GRCh38, chrX:38,317,384, plus strand): 5'-AAAGCTGAATGGTAATATCCACAAGAGATCCAGGAGACAGGTTTCCCAATGGTCACTTGC[T>C]GAGGGACACAGACATTACTTACATTTTTTAAACCAATTTGCCCTTCGGAATTGTCACCCC-3'
Protein context (NP_001030025.1, residues 174-194): LKNVSNVCVP[Gln184Arg]QVTIGKPVSW